The following is an entry in ClinVar:

NM_007126.5(VCP):c.257G>C (p.Arg86Thr)

Gene: VCP (valosin containing protein; minus strand). Cytogenetic location: 9p13.3.
Variant type: single nucleotide variant.
Coding change: c.257G>C on transcript NM_007126.5 (MANE Select); coding-DNA position 257, G replaced by C.
Protein change: p.Arg86Thr; replaces arginine 86 with threonine.
Molecular consequence: missense variant.
Genome position (GRCh38, 1-based): chr9:35,067,936, C>G on the plus strand (G>C on the coding strand, the complement: VCP is on the minus strand). VCF-style: chr9-35067936-C-G. GRCh37 (hg19) VCF-style: chr9-35067933-C-G.
Other names: c.122G>C, p.Arg41Thr (NM_001354927.2, NM_001354928.2); short protein forms R41T, R86T.
Identifiers: ClinVar variation 4789065 (VCV004789065.2).

ClinVar aggregate classification (germline): Uncertain significance. Review status: criteria provided, multiple submitters, no conflicts (2 of 4 stars). 2 submissions from 2 submitters: Uncertain significance (2). Last evaluated 2026-03-27.

Conditions:
Frontotemporal dementia and/or amyotrophic lateral sclerosis 6 (FTDALS6). Also called: VCP-Related Amyotrophic Lateral Sclerosis; VCP-Related Amyotrophic Lateral Sclerosis/Frontotemporal Dementia. Identifiers: Orphanet 275872, Orphanet 803, MedGen C5436279, MONDO:0013501, OMIM 613954.
Inclusion body myopathy with Paget disease of bone and frontotemporal dementia. Also called: Inclusion body myopathy with early-onset Paget disease and frontotemporal dementia. Identifiers: Orphanet 52430, MedGen C1833662, MONDO:0000507.

Submissions (2):

GeneDx
Classification: Uncertain significance. Last evaluated: 2026-03-27. Review status: criteria provided, single submitter. Criteria: GeneDx Variant Classification Process June 2021. Collection method: clinical testing. Allele origin: germline.
Comment: Not observed at significant frequency in large population cohorts (gnomAD); In silico analysis supports that this missense variant has a deleterious effect on protein structure/function; Has not been previously published as pathogenic or benign to our knowledge

Labcorp Genetics (formerly Invitae), Labcorp
Classification: Uncertain significance for Inclusion body myopathy with Paget disease of bone and frontotemporal dementia; Frontotemporal dementia and/or amyotrophic lateral sclerosis 6. Last evaluated: 2025-12-14. Review status: criteria provided, single submitter. Criteria: Invitae Variant Classification Sherloc (09022015). Collection method: clinical testing. Allele origin: germline.
Comment: This sequence change replaces arginine, which is basic and polar, with threonine, which is neutral and polar, at codon 86 of the VCP protein (p.Arg86Thr). This variant is not present in population databases (gnomAD no frequency). This variant has not been reported in the literature in individuals affected with VCP-related conditions. An algorithm developed to predict the effect of missense changes on protein structure and function (PolyPhen-2) suggests that this variant is likely to be disruptive. In summary, the available evidence is currently insufficient to determine the role of this variant in disease. Therefore, it has been classified as a Variant of Uncertain Significance.